The following is an entry in ClinVar:

NM_139343.3(BIN1):c.1201G>A (p.Val401Met)

Gene: BIN1 (bridging integrator 1; minus strand). Cytogenetic location: 2q14.3.
Variant type: single nucleotide variant.
Coding change: c.1201G>A on transcript NM_139343.3 (MANE Select); coding-DNA position 1201, G replaced by A.
Protein change: p.Val401Met; replaces valine 401 with methionine.
Molecular consequence: missense variant. On other transcripts: intron variant (12).
Genome position (GRCh38, 1-based): chr2:127,053,943, C>T on the plus strand (G>A on the coding strand, the complement: BIN1 is on the minus strand). VCF-style: chr2-127053943-C-T. GRCh37 (hg19) VCF-style: chr2-127811519-C-T.
Other names: c.1108G>A, p.Val370Met (NM_001320641.2); c.1120G>A, p.Val374Met (NM_001320642.1); c.1072G>A, p.Val358Met (NM_139344.3); c.838-3031G>A (NM_001320634.1); c.910-3031G>A (NM_139351.3); c.910-2700G>A (NM_139350.3); c.910-1581G>A (NM_139349.3); c.1039-2700G>A (NM_139348.3); and 7 more; short protein forms V358M, V370M, V374M, V401M.
Identifiers: ClinVar variation 2141667 (VCV002141667.4), dbSNP rs1372967855, ClinGen allele CA348376894.

ClinVar aggregate classification (germline): Uncertain significance (1 of 4 stars; one submission).

Conditions:
Myopathy, centronuclear, 2 (CNM2). Also called: MYOTUBULAR MYOPATHY, AUTOSOMAL RECESSIVE. Identifiers: Orphanet 169186, MedGen CN031787, MONDO:0009709, OMIM 255200.

Allele frequency attached by ClinVar (database versions not stated): gnomAD exomes 0.00001; TOPMed 0.00001; gnomAD 0.00001.
gnomAD v4.1: 12 of 1,551,550 alleles (0.00077%); highest among the groups gnomAD compares: East Asian, 0.0024%; no homozygotes.

Submission:

Labcorp Genetics (formerly Invitae), Labcorp
Classification: Uncertain significance for Myopathy, centronuclear, 2. Last evaluated: 2024-11-15. Review status: criteria provided, single submitter. Criteria: Invitae Variant Classification Sherloc (09022015). Collection method: clinical testing. Allele origin: germline.
Comment: This sequence change replaces valine, which is neutral and non-polar, with methionine, which is neutral and non-polar, at codon 401 of the BIN1 protein (p.Val401Met). This variant is present in population databases (no rsID available, gnomAD 0.01%). This variant has not been reported in the literature in individuals affected with BIN1-related conditions. ClinVar contains an entry for this variant (Variation ID: 2141667). An algorithm developed to predict the effect of missense changes on protein structure and function (PolyPhen-2) suggests that this variant is likely to be disruptive. In summary, the available evidence is currently insufficient to determine the role of this variant in disease. Therefore, it has been classified as a Variant of Uncertain Significance.